The following is an entry in ClinVar:

ClinVar aggregate classification (germline): Uncertain significance (1 of 4 stars; one submission).

Conditions:
Inflammatory bowel disease. Identifiers: Orphanet 104012, MedGen C0021390, MONDO:0005265.

Allele frequency attached by ClinVar (database versions not stated): gnomAD exomes below 0.00001 and 0.00001; TOPMed below 0.00001; ExAC 0.00001.
gnomAD v4.1: 3 of 1,611,408 alleles (0.00019%); highest among the groups gnomAD compares: Admixed American, 0.0033%; no homozygotes.

Submission:

Labcorp Genetics (formerly Invitae), Labcorp
Classification: Uncertain significance for Inflammatory bowel disease. Last evaluated: 2022-06-25. Review status: criteria provided, single submitter. Criteria: Invitae Variant Classification Sherloc (09022015). Collection method: clinical testing. Allele origin: germline.
Comment: This sequence change falls in intron 4 of the IL10 gene. It does not directly change the encoded amino acid sequence of the IL10 protein. It affects a nucleotide within the consensus splice site. This variant is present in population databases (rs749664677, gnomAD 0.006%). This variant has not been reported in the literature in individuals affected with IL10-related conditions. Variants that disrupt the consensus splice site are a relatively common cause of aberrant splicing (PMID: 17576681, 9536098). Algorithms developed to predict the effect of sequence changes on RNA splicing suggest that this variant is not likely to affect RNA splicing. In summary, the available evidence is currently insufficient to determine the role of this variant in disease. Therefore, it has been classified as a Variant of Uncertain Significance.

Literature cited by the submitters: PubMed 17576681; PubMed 9536098.

NM_000572.3(IL10):c.444+6C>T

Gene: IL10 (interleukin 10; minus strand). Cytogenetic location: 1q32.1.
Variant type: single nucleotide variant.
Coding change: c.444+6C>T on transcript NM_000572.3 (MANE Select); 6 bases into the intron after coding-DNA position 444, C replaced by T.
Molecular consequence: intron variant.
Genome position (GRCh38, 1-based): chr1:206,769,823, G>A on the plus strand (C>T on the coding strand, the complement: IL10 is on the minus strand). VCF-style: chr1-206769823-G-A. GRCh37 (hg19) VCF-style: chr1-206943168-G-A.
Other names: c.189+6C>T (NM_001382624.1).
Identifiers: ClinVar variation 1446386 (VCV001446386.3), dbSNP rs749664677, ClinGen allele CA1363742.